The following is an entry in ClinVar:

NM_006922.4(SCN3A):c.1450A>G (p.Ser484Gly)

Gene: SCN3A (sodium voltage-gated channel alpha subunit 3; minus strand). Cytogenetic location: 2q24.3.
Variant type: single nucleotide variant.
Coding change: c.1450A>G on transcript NM_006922.4 (MANE Select); coding-DNA position 1450, A replaced by G.
Protein change: p.Ser484Gly; replaces serine 484 with glycine.
Molecular consequence: missense variant.
Genome position (GRCh38, 1-based): chr2:165,146,960, T>C on the plus strand (A>G on the coding strand, the complement: SCN3A is on the minus strand). VCF-style: chr2-165146960-T-C. GRCh37 (hg19) VCF-style: chr2-166003470-T-C.
Other names: c.1450A>G, p.Ser484Gly (NM_001081676.2, NM_001081677.2); short protein forms S484G.
Identifiers: ClinVar variation 1061986 (VCV001061986.9), dbSNP rs2105834448, ClinGen allele CA349236739.

ClinVar aggregate classification (germline): Uncertain significance (1 of 4 stars; one submission).

Submission:

Labcorp Genetics (formerly Invitae), Labcorp
Classification: Uncertain significance. Last evaluated: 2022-03-19. Review status: criteria provided, single submitter. Criteria: Invitae Variant Classification Sherloc (09022015). Collection method: clinical testing. Allele origin: germline.
Comment: This variant has not been reported in the literature in individuals affected with SCN3A-related conditions. This variant is not present in population databases (gnomAD no frequency). This sequence change replaces serine, which is neutral and polar, with glycine, which is neutral and non-polar, at codon 484 of the SCN3A protein (p.Ser484Gly). ClinVar contains an entry for this variant (Variation ID: 1061986). In summary, the available evidence is currently insufficient to determine the role of this variant in disease. Therefore, it has been classified as a Variant of Uncertain Significance. Algorithms developed to predict the effect of missense changes on protein structure and function are either unavailable or do not agree on the potential impact of this missense change (SIFT: "Deleterious"; PolyPhen-2: "Probably Damaging"; Align-GVGD: "Class C0").